The following is an entry in ClinVar:

NM_001365999.1(SZT2):c.8151+3G>A

Gene: SZT2 (SZT2 subunit of KICSTOR complex; plus strand). Cytogenetic location: 1p34.2.
Variant type: single nucleotide variant.
Coding change: c.8151+3G>A on transcript NM_001365999.1 (MANE Select); 3 bases into the intron after coding-DNA position 8151, G replaced by A.
Molecular consequence: intron variant.
Genome position (GRCh38, 1-based): chr1:43,442,621, G>A. VCF-style: chr1-43442621-G-A. GRCh37 (hg19) VCF-style: chr1-43908292-G-A.
Other names: c.7980+3G>A (NM_015284.4).
Identifiers: ClinVar variation 1027146 (VCV001027146.6), dbSNP rs766970596, ClinGen allele CA810452.

ClinVar aggregate classification (germline): Uncertain significance (1 of 4 stars; one submission).

Allele frequency attached by ClinVar (database versions not stated): ExAC 0.00001; gnomAD 0.00003 and 0.00004; gnomAD exomes 0.00003 and 0.00006; TOPMed 0.00003.
gnomAD v4.1: 90 of 1,597,538 alleles (0.0056%); highest among the groups gnomAD compares: Non-Finnish European, 0.0075%; no homozygotes.

Submission:

Labcorp Genetics (formerly Invitae), Labcorp
Classification: Uncertain significance. Last evaluated: 2023-07-10. Review status: criteria provided, single submitter. Criteria: Invitae Variant Classification Sherloc (09022015). Collection method: clinical testing. Allele origin: germline.
Comment: This sequence change falls in intron 57 of the SZT2 gene. It does not directly change the encoded amino acid sequence of the SZT2 protein. It affects a nucleotide within the consensus splice site. This variant is present in population databases (rs766970596, gnomAD 0.006%). This variant has not been reported in the literature in individuals affected with SZT2-related conditions. ClinVar contains an entry for this variant (Variation ID: 1027146). Variants that disrupt the consensus splice site are a relatively common cause of aberrant splicing (PMID: 17576681, 9536098). Algorithms developed to predict the effect of sequence changes on RNA splicing suggest that this variant may disrupt the consensus splice site. In summary, the available evidence is currently insufficient to determine the role of this variant in disease. Therefore, it has been classified as a Variant of Uncertain Significance.

Literature cited by the submitters: PubMed 17576681; PubMed 9536098.